The following is an entry in ClinVar:

ClinVar aggregate classification (germline): Uncertain significance (1 of 4 stars; one submission).

Conditions:
Brachyolmia-amelogenesis imperfecta syndrome. Also called: PLATYSPONDYLY WITH AMELOGENESIS IMPERFECTA; Tooth agenesis, selective, 6; Dental anomalies and short stature. Identifiers: Orphanet 2899, MedGen C1832594, MONDO:0011018, OMIM 601216. Disease mechanism: loss of function.

gnomAD v4.1: 1 of 1,614,144 alleles (0.000062%); highest among the groups gnomAD compares: South Asian, 0.0011%; no homozygotes.

Submission:

Labcorp Genetics (formerly Invitae), Labcorp
Classification: Uncertain significance for Brachyolmia-amelogenesis imperfecta syndrome. Last evaluated: 2025-12-29. Review status: criteria provided, single submitter. Criteria: Invitae Variant Classification Sherloc (09022015). Collection method: clinical testing. Allele origin: germline.
Comment: This sequence change replaces glutamic acid, which is acidic and polar, with aspartic acid, which is acidic and polar, at codon 896 of the LTBP3 protein (p.Glu896Asp). This variant is present in population databases (no rsID available, gnomAD 0.003%). This variant has not been reported in the literature in individuals affected with LTBP3-related conditions. An algorithm developed to predict the effect of missense changes on protein structure and function outputs the following: PolyPhen-2: "Benign". The aspartic acid amino acid residue is found in multiple mammalian species, which suggests that this missense change does not adversely affect protein function. In summary, the available evidence is currently insufficient to determine the role of this variant in disease. Therefore, it has been classified as a Variant of Uncertain Significance.

NM_001130144.3(LTBP3):c.2688G>C (p.Glu896Asp)

Gene: LTBP3 (latent transforming growth factor beta binding protein 3; minus strand). Cytogenetic location: 11q13.1.
Variant type: single nucleotide variant.
Coding change: c.2688G>C on transcript NM_001130144.3 (MANE Select); coding-DNA position 2688, G replaced by C.
Protein change: p.Glu896Asp; replaces glutamic acid 896 with aspartic acid.
Molecular consequence: missense variant.
Genome position (GRCh38, 1-based): chr11:65,541,637, C>G on the plus strand (G>C on the coding strand, the complement: LTBP3 is on the minus strand). VCF-style: chr11-65541637-C-G. GRCh37 (hg19) VCF-style: chr11-65309108-C-G.
Other names: c.2337G>C, p.Glu779Asp (NM_001164266.1); c.2688G>C, p.Glu896Asp (NM_021070.4); short protein forms E779D, E896D.
Identifiers: ClinVar variation 4733947 (VCV004733947.1).
Genomic context (GRCh38, chr11:65,541,637, plus strand): 5'-GGAGGAGCTGGGAGGACACTCACCCTCACAACCGTGCTGGTCCTGGGTGGGAGTGAAGCC[C>G]TCATCGCAGACACACACATAGGAGCCCTGAAGGTTCTTGCAGGCCCCATGGGGAAGGCAC-3'
Protein context (NP_001123616.1, residues 886-906): LQGSYVCVCD[Glu896Asp]GFTPTQDQHG